The following is an entry in ClinVar:

ClinVar aggregate classification (germline): Likely benign (1 of 4 stars; one submission).

Allele frequency attached by ClinVar (database versions not stated): gnomAD 0.00008; TOPMed 0.00016; ExAC 0.00028; 1000 Genomes Project 0.00060; 1000 Genomes Project 30x 0.00078.

Submission:

CeGaT Center for Human Genetics Tuebingen
Classification: Likely benign. Last evaluated: 2023-03-01. Review status: criteria provided, single submitter. Criteria: CeGaT Center For Human Genetics Tuebingen Variant Classification Criteria Version 2. Collection method: clinical testing. Allele origin: germline. Affected: yes. Observed: 1 variant allele.
Comment: PDIA2: BP4, BP7

NM_006849.4(PDIA2):c.588C>T (p.Asp196=)

Gene: PDIA2 (protein disulfide isomerase family A member 2; plus strand). Cytogenetic location: 16p13.3.
Variant type: single nucleotide variant.
Coding change: c.588C>T on transcript NM_006849.4 (MANE Select); coding-DNA position 588, C replaced by T.
Protein change: p.Asp196=; no amino-acid change (aspartic acid 196 retained).
Molecular consequence: synonymous variant.
Genome position (GRCh38, 1-based): chr16:284,925, C>T. VCF-style: chr16-284925-C-T. GRCh37 (hg19) VCF-style: chr16-334925-C-T.
Identifiers: ClinVar variation 2645779 (VCV002645779.24), dbSNP rs543187098, ClinGen allele CA7773063.